The following is an entry in ClinVar:

ClinVar aggregate classification (germline): Uncertain significance (1 of 4 stars; one submission).

Conditions:
Ectodermal dysplasia 11A, hypohidrotic/hair/tooth type, autosomal dominant. Identifiers: Orphanet 1810, Orphanet 238468, MedGen C3541517, MONDO:0013982, OMIM 614940.
Ectodermal dysplasia 11B, hypohidrotic/hair/tooth type, autosomal recessive. Identifiers: Orphanet 238468, Orphanet 248, MedGen C3539920, MONDO:0013983, OMIM 614941.

Submission:

Labcorp Genetics (formerly Invitae), Labcorp
Classification: Uncertain significance for Ectodermal dysplasia 11B, hypohidrotic/hair/tooth type, autosomal recessive; Ectodermal dysplasia 11A, hypohidrotic/hair/tooth type, autosomal dominant. Last evaluated: 2024-12-13. Review status: criteria provided, single submitter. Criteria: Invitae Variant Classification Sherloc (09022015). Collection method: clinical testing. Allele origin: germline.
Comment: This sequence change replaces histidine, which is basic and polar, with arginine, which is basic and polar, at codon 18 of the EDARADD protein (p.His18Arg). This variant is not present in population databases (gnomAD no frequency). This variant has not been reported in the literature in individuals affected with EDARADD-related conditions. An algorithm developed to predict the effect of missense changes on protein structure and function outputs the following: PolyPhen-2: "Benign". The arginine amino acid residue is found in multiple mammalian species, which suggests that this missense change does not adversely affect protein function. In summary, the available evidence is currently insufficient to determine the role of this variant in disease. Therefore, it has been classified as a Variant of Uncertain Significance.

NM_145861.4(EDARADD):c.53A>G (p.His18Arg)

Gene: EDARADD (EDAR associated via death domain; plus strand). Cytogenetic location: 1q42.3.
Variant type: single nucleotide variant.
Coding change: c.53A>G on transcript NM_145861.4 (MANE Select); coding-DNA position 53, A replaced by G.
Protein change: p.His18Arg; replaces histidine 18 with arginine.
Molecular consequence: missense variant. On other transcripts: intron variant (1).
Genome position (GRCh38, 1-based): chr1:236,394,497, A>G. VCF-style: chr1-236394497-A-G. GRCh37 (hg19) VCF-style: chr1-236557797-A-G.
Other names: c.-5-14719A>G (NM_001422628.1); short protein forms H18R.
Identifiers: ClinVar variation 3759666 (VCV003759666.2).
Genomic context (GRCh38, chr1:236,394,497, plus strand): 5'-ACATCGCCATGGGCCTCAGGACGACTAAACAGATGGGGAGAGGCACTAAAGCTCCTGGTC[A>G]CCAAGAGGGTATGTAGGCATTTGCTGTCTTCCTGGATTTCTCAGAGCTGAGTTTTTAGCC-3'
Protein context (NP_665860.2, residues 8-28): QMGRGTKAPG[His18Arg]QEDHMVKEPV